The following is an entry in ClinVar:

ClinVar aggregate classification (germline): Likely benign. Review status: criteria provided, single submitter (1 of 4 stars). 2 submissions from 2 submitters: Likely benign (1). 1 of the submissions does not count toward it. Last evaluated 2024-01-04.

Conditions:
PCNT-related disorder. Also called: PCNT-related condition.

Allele frequency attached by ClinVar (database versions not stated): gnomAD exomes 0.00001; TOPMed 0.00003; ExAC 0.00007.
gnomAD v4.1: 13 of 1,586,912 alleles (0.00082%); highest among the groups gnomAD compares: East Asian, 0.0046%; no homozygotes.

Submissions (2):

Labcorp Genetics (formerly Invitae), Labcorp
Classification: Likely benign. Last evaluated: 2024-01-04. Review status: criteria provided, single submitter. Criteria: Invitae Variant Classification Sherloc (09022015). Collection method: clinical testing. Allele origin: germline.

PreventionGenetics, part of Exact Sciences
Classification: Likely benign for PCNT-related condition. Last evaluated: 2022-10-17. Review status: no assertion criteria provided. Collection method: clinical testing. Allele origin: germline. Not counted in ClinVar's aggregate classification.
Comment: This variant is classified as likely benign based on ACMG/AMP sequence variant interpretation guidelines (Richards et al. 2015 PMID: 25741868, with internal and published modifications).

NM_006031.6(PCNT):c.4125G>A (p.Ala1375=)

Gene: PCNT (pericentrin; plus strand). Cytogenetic location: 21q22.3.
Variant type: single nucleotide variant.
Coding change: c.4125G>A on transcript NM_006031.6 (MANE Select); coding-DNA position 4125, G replaced by A.
Protein change: p.Ala1375=; no amino-acid change (alanine 1375 retained).
Molecular consequence: synonymous variant.
Genome position (GRCh38, 1-based): chr21:46,391,285, G>A. VCF-style: chr21-46391285-G-A. GRCh37 (hg19) VCF-style: chr21-47811200-G-A.
Other names: c.4125G>A (NM_006031.5); c.3771G>A, p.Ala1257= (NM_001315529.2).
Identifiers: ClinVar variation 2713155 (VCV002713155.5), dbSNP rs779040735, ClinGen allele CA10079542.